The following is an entry in ClinVar:

NM_001605.3(AARS1):c.2092T>G (p.Ser698Ala)

Gene: AARS1 (alanyl-tRNA synthetase 1; minus strand). Cytogenetic location: 16q22.1.
Variant type: single nucleotide variant.
Coding change: c.2092T>G on transcript NM_001605.3 (MANE Select); coding-DNA position 2092, T replaced by G.
Protein change: p.Ser698Ala; replaces serine 698 with alanine.
Molecular consequence: missense variant.
Genome position (GRCh38, 1-based): chr16:70,258,118, A>C on the plus strand (T>G on the coding strand, the complement: AARS1 is on the minus strand). VCF-style: chr16-70258118-A-C. GRCh37 (hg19) VCF-style: chr16-70292021-A-C.
Other names: short protein forms S698A.
Identifiers: ClinVar variation 2748409 (VCV002748409.3), dbSNP rs374062105, ClinGen allele CA396557671.

ClinVar aggregate classification (germline): Uncertain significance (1 of 4 stars; one submission).

Conditions:
Charcot-Marie-Tooth disease type 2. Also called: Charcot-Marie-Tooth type 2. Identifiers: Orphanet 64746, MedGen C0270914, MONDO:0018993.

Submission:

Labcorp Genetics (formerly Invitae), Labcorp
Classification: Uncertain significance for Charcot-Marie-Tooth disease type 2. Last evaluated: 2024-08-06. Review status: criteria provided, single submitter. Criteria: Invitae Variant Classification Sherloc (09022015). Collection method: clinical testing. Allele origin: germline.
Comment: This sequence change replaces serine, which is neutral and polar, with alanine, which is neutral and non-polar, at codon 698 of the AARS protein (p.Ser698Ala). This variant is not present in population databases (gnomAD no frequency). This variant has not been reported in the literature in individuals affected with AARS-related conditions. Advanced modeling of protein sequence and biophysical properties (such as structural, functional, and spatial information, amino acid conservation, physicochemical variation, residue mobility, and thermodynamic stability) performed at Invitae indicates that this missense variant is not expected to disrupt AARS protein function with a negative predictive value of 95%. In summary, the available evidence is currently insufficient to determine the role of this variant in disease. Therefore, it has been classified as a Variant of Uncertain Significance.